The following is an entry in ClinVar:

NM_001379200.1(TBX1):c.1438G>A (p.Ala480Thr)

Gene: TBX1 (T-box transcription factor 1; plus strand). Cytogenetic location: 22q11.21.
Variant type: single nucleotide variant.
Coding change: c.1438G>A on transcript NM_001379200.1 (MANE Select); coding-DNA position 1438, G replaced by A.
Protein change: p.Ala480Thr; replaces alanine 480 with threonine.
Molecular consequence: missense variant. On other transcripts: intron variant (2).
Genome position (GRCh38, 1-based): chr22:19,766,790, G>A. VCF-style: chr22-19766790-G-A. GRCh37 (hg19) VCF-style: chr22-19754313-G-A.
Other names: c.1411G>A, p.Ala471Thr (NM_080647.1); c.1009+788G>A (NM_005992.1, NM_080646.2); short protein forms A471T, A480T.
Identifiers: ClinVar variation 4181197 (VCV004181197.1).

ClinVar aggregate classification (germline): Uncertain significance (1 of 4 stars; one submission).

Conditions:
Cardiovascular phenotype. Identifiers: MedGen CN230736.

Submission:

Ambry Genetics
Classification: Uncertain significance for Cardiovascular phenotype. Last evaluated: 2025-08-28. Review status: criteria provided, single submitter. Criteria: Ambry Variant Classification Scheme 2023. Collection method: clinical testing. Allele origin: germline.
Comment: The p.A471T variant (also known as c.1411G>A), located in coding exon 8 of the TBX1 gene, results from a G to A substitution at nucleotide position 1411. The alanine at codon 471 is replaced by threonine, an amino acid with similar properties. This amino acid position is conserved. In addition, the in silico prediction for this alteration is inconclusive. Based on the available evidence, the clinical significance of this variant remains unclear.